The following is an entry in ClinVar:

NM_207037.2(TCF12):c.142G>A (p.Gly48Arg)

Gene: TCF12 (transcription factor 12; plus strand). Cytogenetic location: 15q21.3.
Variant type: single nucleotide variant.
Coding change: c.142G>A on transcript NM_207037.2 (MANE Select); coding-DNA position 142, G replaced by A.
Protein change: p.Gly48Arg; replaces glycine 48 with arginine.
Molecular consequence: missense variant. On other transcripts: 5 prime UTR variant (3).
Genome position (GRCh38, 1-based): chr15:56,921,092, G>A. VCF-style: chr15-56921092-G-A. GRCh37 (hg19) VCF-style: chr15-57213290-G-A.
Other names: c.142G>A, p.Gly48Arg (NM_003205.4, NM_207036.2, NM_207038.2 and 8 more transcripts); c.-511G>A (NM_001322154.2); c.-95G>A (NM_001322156.2, NM_001322158.2); short protein forms G48R.
Identifiers: ClinVar variation 4527159 (VCV004527159.1).

ClinVar aggregate classification (germline): Uncertain significance (1 of 4 stars; one submission).

gnomAD v4.1: 30 of 1,607,030 alleles (0.0019%); highest among the groups gnomAD compares: Non-Finnish European, 0.0026%; no homozygotes.

Submission:

GeneDx
Classification: Uncertain significance. Last evaluated: 2025-04-21. Review status: criteria provided, single submitter. Criteria: GeneDx Variant Classification Process June 2021. Collection method: clinical testing. Allele origin: germline. Affected: yes.
Comment: Not observed at significant frequency in large population cohorts (gnomAD); In silico analysis supports that this missense variant has a deleterious effect on protein structure/function; Has not been previously published as pathogenic or benign to our knowledge